The following is an entry in ClinVar:

ClinVar aggregate classification (germline): Uncertain significance (1 of 4 stars; one submission).

Conditions:
Retinitis pigmentosa 59 (RP59). Identifiers: Orphanet 791, MedGen C3151227, MONDO:0013468, OMIM 613861.

Submission:

Labcorp Genetics (formerly Invitae), Labcorp
Classification: Uncertain significance for Retinitis pigmentosa 59. Last evaluated: 2023-04-25. Review status: criteria provided, single submitter. Criteria: Invitae Variant Classification Sherloc (09022015). Collection method: clinical testing. Allele origin: germline.
Comment: In summary, the available evidence is currently insufficient to determine the role of this variant in disease. Therefore, it has been classified as a Variant of Uncertain Significance. Algorithms developed to predict the effect of missense changes on protein structure and function output the following: SIFT: "Not Available"; PolyPhen-2: "Benign"; Align-GVGD: "Not Available". The alanine amino acid residue is found in multiple mammalian species, which suggests that this missense change does not adversely affect protein function. This variant has not been reported in the literature in individuals affected with DHDDS-related conditions. This variant is not present in population databases (gnomAD no frequency). This sequence change replaces glycine, which is neutral and non-polar, with alanine, which is neutral and non-polar, at codon 291 of the DHDDS protein (p.Gly291Ala).

NM_205861.3(DHDDS):c.869G>C (p.Gly290Ala)

Gene: DHDDS (dehydrodolichyl diphosphate synthase subunit; plus strand). Cytogenetic location: 1p36.11.
Variant type: single nucleotide variant.
Coding change: c.869G>C on transcript NM_205861.3 (MANE Select); coding-DNA position 869, G replaced by C.
Protein change: p.Gly290Ala; replaces glycine 290 with alanine.
Molecular consequence: missense variant.
Genome position (GRCh38, 1-based): chr1:26,468,998, G>C. VCF-style: chr1-26468998-G-C. GRCh37 (hg19) VCF-style: chr1-26795489-G-C.
Other names: c.767G>C, p.Gly256Ala (NM_001243564.2); c.752G>C, p.Gly251Ala (NM_001243565.2); c.590G>C, p.Gly197Ala (NM_001319959.2); c.872G>C, p.Gly291Ala (NM_024887.4); short protein forms G251A, G197A, G290A, G291A, G256A.
Identifiers: ClinVar variation 2859280 (VCV002859280.3), dbSNP rs2524815787, ClinGen allele CA339145724.
Genomic context (GRCh38, chr1:26,468,998, plus strand): 5'-TGGAGAGGGACCAGGCTACAGTGACAGAGCAGCTGCTGCGAGAGGGGCTCCAAGCCAGTG[G>C]GGACGCCCAGCTCCGAAGGACACGCTTGCACAAACTCTCGGCCAGACGGGAAGAGCGAGT-3'
Protein context (NP_995583.1, residues 280-300): QLLREGLQAS[Gly290Ala]DAQLRRTRLH